The following is an entry in ClinVar:

NM_001098511.3(KIF2A):c.395A>G (p.Gln132Arg)

Gene: KIF2A (kinesin family member 2A; plus strand). Cytogenetic location: 5q12.1.
Variant type: single nucleotide variant.
Coding change: c.395A>G on transcript NM_001098511.3 (MANE Select); coding-DNA position 395, A replaced by G.
Protein change: p.Gln132Arg; replaces glutamine 132 with arginine.
Molecular consequence: missense variant.
Genome position (GRCh38, 1-based): chr5:62,352,648, A>G. VCF-style: chr5-62352648-A-G. GRCh37 (hg19) VCF-style: chr5-61648475-A-G.
Other names: c.314A>G, p.Gln105Arg (NM_001243952.2); c.395A>G, p.Gln132Arg (NM_001243953.2, NM_004520.5); short protein forms Q105R, Q132R.
Identifiers: ClinVar variation 2805625 (VCV002805625.3), dbSNP rs2531331603, ClinGen allele CA359948919.

ClinVar aggregate classification (germline): Uncertain significance (1 of 4 stars; one submission).

Submission:

Labcorp Genetics (formerly Invitae), Labcorp
Classification: Uncertain significance. Last evaluated: 2022-11-06. Review status: criteria provided, single submitter. Criteria: Invitae Variant Classification Sherloc (09022015). Collection method: clinical testing. Allele origin: germline.
Comment: This variant is not present in population databases (gnomAD no frequency). In summary, the available evidence is currently insufficient to determine the role of this variant in disease. Therefore, it has been classified as a Variant of Uncertain Significance. Algorithms developed to predict the effect of missense changes on protein structure and function (SIFT, PolyPhen-2, Align-GVGD) all suggest that this variant is likely to be tolerated. This variant has not been reported in the literature in individuals affected with KIF2A-related conditions. This sequence change replaces glutamine, which is neutral and polar, with arginine, which is basic and polar, at codon 132 of the KIF2A protein (p.Gln132Arg).